The following is an entry in ClinVar:

NM_145239.3(PRRT2):c.40G>A (p.Val14Ile)

Genes: MVP-DT (MVP divergent transcript; minus strand), PRRT2 (proline rich transmembrane protein 2; plus strand). Cytogenetic location: 16p11.2.
Variant type: single nucleotide variant.
Coding change: c.40G>A on transcript NM_145239.3 (MANE Select); coding-DNA position 40, G replaced by A.
Protein change: p.Val14Ile; replaces valine 14 with isoleucine.
Molecular consequence: missense variant.
Genome position (GRCh38, 1-based): chr16:29,813,094, G>A. VCF-style: chr16-29813094-G-A. GRCh37 (hg19) VCF-style: chr16-29824415-G-A.
Other names: c.40G>A, p.Val14Ile (NM_001256442.2, NM_001256443.2); short protein forms V14I.
Identifiers: ClinVar variation 2069874 (VCV002069874.4), dbSNP rs1304660738, ClinGen allele CA395477046.

ClinVar aggregate classification (germline): Uncertain significance (1 of 4 stars; one submission).

Conditions:
Episodic kinesigenic dyskinesia (EKD). Also called: Paroxysmal kinesigenic dyskinesia. Identifiers: Orphanet 98809, MedGen C1868682, MONDO:0044202.

Allele frequency attached by ClinVar (database versions not stated): gnomAD exomes below 0.00001.
gnomAD v4.1: 6 of 1,613,016 alleles (0.00037%); highest among the groups gnomAD compares: Non-Finnish European, 0.00051%; no homozygotes.

Submission:

Labcorp Genetics (formerly Invitae), Labcorp
Classification: Uncertain significance for Episodic kinesigenic dyskinesia. Last evaluated: 2025-08-17. Review status: criteria provided, single submitter. Criteria: Invitae Variant Classification Sherloc (09022015). Collection method: clinical testing. Allele origin: germline.
Comment: This sequence change replaces valine, which is neutral and non-polar, with isoleucine, which is neutral and non-polar, at codon 14 of the PRRT2 protein (p.Val14Ile). This variant is not present in population databases (gnomAD no frequency). This variant has not been reported in the literature in individuals affected with PRRT2-related conditions. ClinVar contains an entry for this variant (Variation ID: 2069874). Invitae Evidence Modeling of protein sequence and biophysical properties (such as structural, functional, and spatial information, amino acid conservation, physicochemical variation, residue mobility, and thermodynamic stability) indicates that this missense variant is not expected to disrupt PRRT2 protein function with a negative predictive value of 95%. In summary, the available evidence is currently insufficient to determine the role of this variant in disease. Therefore, it has been classified as a Variant of Uncertain Significance.